The following is an entry in ClinVar:

ClinVar aggregate classification (germline): Uncertain significance (1 of 4 stars; one submission).

Conditions:
Neuropathy, hereditary sensory and autonomic, type 2A (HSAN2A). Also called: ACROOSTEOLYSIS, GIACCAI TYPE; ACROOSTEOLYSIS, NEUROGENIC; HSAN IIA; WNK1-Related HSAN2 (HSAN2A); MORVAN DISEASE; NEUROPATHY, CONGENITAL SENSORY. Identifiers: Orphanet 970, MedGen C2752089, MONDO:0024309, OMIM 201300.

Submission:

Centre for Mendelian Genomics, University Medical Centre Ljubljana
Classification: Uncertain significance for Neuropathy, hereditary sensory and autonomic, type 2A. Last evaluated: 2016-01-01. Review status: criteria provided, single submitter. Criteria: ACMG Guidelines, 2015. Collection method: clinical testing. Allele origin: unknown. Affected: yes.
Comment: This variant was classified as: Uncertain significance. The following ACMG criteria were applied in classifying this variant: PM2,PP3.

NM_001244008.2(KIF1A):c.393C>A (p.Asn131Lys)

Gene: KIF1A (kinesin family member 1A; minus strand). Cytogenetic location: 2q37.3.
Variant type: single nucleotide variant.
Coding change: c.393C>A on transcript NM_001244008.2 (MANE Select); coding-DNA position 393, C replaced by A.
Protein change: p.Asn131Lys; replaces asparagine 131 with lysine.
Molecular consequence: missense variant.
Genome position (GRCh38, 1-based): chr2:240,787,287, G>T on the plus strand (C>A on the coding strand, the complement: KIF1A is on the minus strand). VCF-style: chr2-240787287-G-T. GRCh37 (hg19) VCF-style: chr2-241726704-G-T.
Other names: c.393C>A, p.Asn131Lys (NM_001320705.2, NM_001330289.2, NM_001330290.2 and 20 more transcripts); short protein forms N131K.
Identifiers: ClinVar variation 931381 (VCV000931381.3), dbSNP rs35139906, ClinGen allele CA351309411.